The following is an entry in ClinVar:

ClinVar aggregate classification (germline): Likely pathogenic (1 of 4 stars; one submission).

Allele frequency attached by ClinVar (database versions not stated): gnomAD exomes below 0.00001.
gnomAD v4.1: 1 of 1,549,824 alleles (0.000065%); highest among the groups gnomAD compares: Non-Finnish European, 0.000087%; no homozygotes.

Submission:

Labcorp Genetics (formerly Invitae), Labcorp
Classification: Likely pathogenic. Last evaluated: 2024-01-17. Review status: criteria provided, single submitter. Criteria: Invitae Variant Classification Sherloc (09022015). Collection method: clinical testing. Allele origin: germline.
Comment: This sequence change affects a donor splice site in intron 54 of the UNC80 gene. It is expected to disrupt RNA splicing. Variants that disrupt the donor or acceptor splice site typically lead to a loss of protein function (PMID: 16199547), and loss-of-function variants in UNC80 are known to be pathogenic (PMID: 26545877, 26708751, 26708753). This variant is not present in population databases (gnomAD no frequency). This variant has not been reported in the literature in individuals affected with UNC80-related conditions. ClinVar contains an entry for this variant (Variation ID: 1465732). Algorithms developed to predict the effect of sequence changes on RNA splicing suggest that this variant may disrupt the consensus splice site. In summary, the currently available evidence indicates that the variant is pathogenic, but additional data are needed to prove that conclusively. Therefore, this variant has been classified as Likely Pathogenic.

Literature cited by the submitters: PubMed 16199547; PubMed 26545877; PubMed 26708751; PubMed 26708753.

NM_001371986.1(UNC80):c.8380+1G>T

Gene: UNC80 (unc-80 subunit of NALCN channel complex; plus strand). Cytogenetic location: 2q34.
Variant type: single nucleotide variant.
Coding change: c.8380+1G>T on transcript NM_001371986.1 (MANE Select); the canonical splice donor site of the intron after coding-DNA position 8380, G replaced by T.
Molecular consequence: splice donor variant.
Genome position (GRCh38, 1-based): chr2:209,972,325, G>T. VCF-style: chr2-209972325-G-T. GRCh37 (hg19) VCF-style: chr2-210837049-G-T.
Other names: c.8182+1G>T (NM_032504.2); c.8167+1G>T (NM_182587.4).
Identifiers: ClinVar variation 1465732 (VCV001465732.8), dbSNP rs2125013239, ClinGen allele CA350413090.